The following is an entry in ClinVar:

NM_004415.4(DSP):c.5618G>A (p.Arg1873His)

Gene: DSP (desmoplakin; plus strand). Cytogenetic location: 6p24.3.
Variant type: single nucleotide variant.
Coding change: c.5618G>A on transcript NM_004415.4 (MANE Select); coding-DNA position 5618, G replaced by A.
Protein change: p.Arg1873His; replaces arginine 1873 with histidine.
Molecular consequence: missense variant.
Genome position (GRCh38, 1-based): chr6:7,582,880, G>A. VCF-style: chr6-7582880-G-A. GRCh37 (hg19) VCF-style: chr6-7583113-G-A.
Other names: c.3821G>A, p.Arg1274His (NM_001008844.3); c.4289G>A, p.Arg1430His (NM_001319034.2); c.5618G>A (NM_004415.3); short protein forms R1274H, R1873H, R1430H.
Identifiers: ClinVar variation 850913 (VCV000850913.22), dbSNP rs776088292, ClinGen allele CA045390.
Genomic context (GRCh38, chr6:7,582,880, plus strand): 5'-TGGAGTGTGAGAAACAGCAAATTCAGAATGACCTGAATCAGTGGAAGACTCAATATTCCC[G>A]CAAGGAGGAGGCTATTAGGAAGATAGAATCGGAAAGAGAAAAGAGTGAGAGAGAGAAGAA-3'
Protein context (NP_004406.2, residues 1863-1883): DLNQWKTQYS[Arg1873His]KEEAIRKIES

ClinVar aggregate classification (germline): Conflicting classifications of pathogenicity. Review status: criteria provided, conflicting classifications (1 of 4 stars). 6 submissions from 6 submitters: Uncertain significance (3); Likely benign (3). Last evaluated 2026-05-27.

Conditions:
Cardiovascular phenotype. Identifiers: MedGen CN230736.
Cardiomyopathy (CMYO). Also called: Cardiomyopathies. Identifiers: Orphanet 167848, MedGen C0878544, MONDO:0004994, HP:0001638. Inheritance: Various modes of inheritance.
DSP-related disorder. Also called: DSP-related disorders; DSP-related condition.
Arrhythmogenic cardiomyopathy with wooly hair and keratoderma. Also called: Carvajal syndrome; Dilated cardiomyopathy with woolly hair and keratoderma; PALMOPLANTAR KERATODERMA WITH LEFT VENTRICULAR CARDIOMYOPATHY AND WOOLLY HAIR; Arrhythmogenic cardiomyopathy with woolly hair and keratoderma. Identifiers: Orphanet 65282, MedGen C1854063, MONDO:0011581, OMIM 605676.
Arrhythmogenic right ventricular dysplasia 8 (ARVD8). Also called: Arrhythmogenic Right Ventricular Dysplasia/Cardiomyopathy 8; ARRHYTHMOGENIC RIGHT VENTRICULAR DYSPLASIA, FAMILIAL, 8; ARRHYTHMOGENIC RIGHT VENTRICULAR CARDIOMYOPATHY 8. Identifiers: MedGen C1843896, MONDO:0011831, OMIM 607450.

Allele frequency attached by ClinVar (database versions not stated): gnomAD 0.00001; TOPMed 0.00002; ExAC 0.00004; gnomAD exomes 0.00004; 1000 Genomes Project 30x 0.00016.
gnomAD v4.1: 31 of 1,614,070 alleles (0.0019%); highest among the groups gnomAD compares: Admixed American, 0.02%; no homozygotes.

Submissions (6):

PreventionGenetics, part of Exact Sciences
Classification: Uncertain significance for DSP-related condition. Last evaluated: 2026-05-27. Review status: criteria provided, single submitter. Criteria: ACMG Guidelines, 2015. Collection method: clinical testing. Allele origin: germline.
Comment: The DSP c.5618G>A variant is predicted to result in the amino acid substitution p.Arg1873His. This variant has been reported in an infant with sudden infant death syndrome; however, other heterozygous variants were also present, including a variant in KCNH2 which was considered the putative cause of disease (Campuzano et al. 2018. PubMed ID: 30086531). This variant is reported in 0.029% of alleles in individuals of Latino descent in gnomAD. At this time, the clinical significance of this variant is uncertain due to the absence of conclusive functional and genetic evidence.

Labcorp Genetics (formerly Invitae), Labcorp
Classification: Likely benign for Arrhythmogenic cardiomyopathy with wooly hair and keratoderma; Arrhythmogenic right ventricular dysplasia 8. Last evaluated: 2025-08-04. Review status: criteria provided, single submitter. Criteria: Invitae Variant Classification Sherloc (09022015). Collection method: clinical testing. Allele origin: germline.

Ambry Genetics
Classification: Uncertain significance for Cardiovascular phenotype. Last evaluated: 2025-02-17. Review status: criteria provided, single submitter. Criteria: Ambry Variant Classification Scheme 2023. Collection method: clinical testing. Allele origin: germline.
Comment: The p.R1873H variant (also known as c.5618G>A), located in coding exon 24 of the DSP gene, results from a G to A substitution at nucleotide position 5618. The arginine at codon 1873 is replaced by histidine, an amino acid with highly similar properties. This variant co-occurred with variants in other cardiac-related gene in a victim of sudden infant death (Campuzano O et al. Forensic Sci Int Genet, 2018 11;37:54-63). This amino acid position is well conserved in available vertebrate species. In addition, this alteration is predicted to be tolerated by in silico analysis. Based on the available evidence, the clinical significance of this variant remains unclear.

All of Us Research Program, National Institutes of Health
Classification: Likely benign for Arrhythmogenic cardiomyopathy with wooly hair and keratoderma. Last evaluated: 2024-05-14. Review status: criteria provided, single submitter. Criteria: ACMG Guidelines, 2015. Collection method: clinical testing. Allele origin: germline. Inheritance: Autosomal dominant inheritance. Observed: 6 variant alleles, 6 heterozygotes.
Comment: This study involves interpretation of variants in research participants for the purpose of population health screening. Participant phenotype was not available at the time of variant classification. Additional details can be found in publication PMID: 35346344, PMCID: PMC8962531

Color Diagnostics, LLC DBA Color Health
Classification: Likely benign for Cardiomyopathy. Last evaluated: 2024-04-23. Review status: criteria provided, single submitter. Criteria: ACMG Guidelines, 2015. Collection method: clinical testing. Allele origin: germline.

GeneDx
Classification: Uncertain significance. Last evaluated: 2022-06-29. Review status: criteria provided, single submitter. Criteria: GeneDx Variant Classification Process June 2021. Collection method: clinical testing. Allele origin: germline. Affected: yes.
Comment: Identified in a patient with sudden infant death syndrome (SIDS) who also harbored additional variants in other genes associated with sudden cardiac death (Campuzano et al., 2018); In silico analysis supports that this missense variant does not alter protein structure/function; This variant is associated with the following publications: (PMID: 30086531)

Literature cited by the submitters: PubMed 30086531 (cited by Ambry Genetics).